The following is an entry in ClinVar:

ClinVar aggregate classification (germline): Uncertain significance (1 of 4 stars; one submission).

Conditions:
Arrhythmogenic cardiomyopathy with wooly hair and keratoderma. Also called: Carvajal syndrome; PALMOPLANTAR KERATODERMA WITH LEFT VENTRICULAR CARDIOMYOPATHY AND WOOLLY HAIR; Dilated cardiomyopathy with woolly hair and keratoderma; Arrhythmogenic cardiomyopathy with woolly hair and keratoderma. Identifiers: Orphanet 65282, MedGen C1854063, MONDO:0011581, OMIM 605676.

Allele frequency attached by ClinVar (database versions not stated): gnomAD exomes below 0.00001; ExAC 0.00001.

Submission:

All of Us Research Program, National Institutes of Health
Classification: Uncertain significance for Arrhythmogenic cardiomyopathy with wooly hair and keratoderma. Last evaluated: 2022-12-05. Review status: criteria provided, single submitter. Criteria: ACMG Guidelines, 2015. Collection method: clinical testing. Allele origin: germline. Inheritance: Autosomal dominant inheritance. Observed: 1 variant allele, 1 heterozygote.
Comment: This missense variant replaces tyrosine with asparagine at codon 2029 of the DSP protein. Computational prediction suggests that this variant may not impact protein structure and function (internally defined REVEL score threshold <= 0.5, PMID: 27666373). To our knowledge, functional studies have not been reported for this variant. This variant has not been reported in individuals affected with cardiovascular disorders in the literature. This variant has been identified in 1/251022 chromosomes in the general population by the Genome Aggregation Database (gnomAD). The available evidence is insufficient to determine the role of this variant in disease conclusively. Therefore, this variant is classified as a Variant of Uncertain Significance.

This study involves interpretation of variants in research participants for the purpose of population health screening. Participant phenotype was not available at the time of variant classification. Additional details can be found in publication PMID: 35346344, PMCID: PMC8962531

NM_004415.4(DSP):c.6085T>A (p.Tyr2029Asn)

Gene: DSP (desmoplakin; plus strand). Cytogenetic location: 6p24.3.
Variant type: single nucleotide variant.
Coding change: c.6085T>A on transcript NM_004415.4 (MANE Select); coding-DNA position 6085, T replaced by A.
Protein change: p.Tyr2029Asn; replaces tyrosine 2029 with asparagine.
Molecular consequence: missense variant.
Genome position (GRCh38, 1-based): chr6:7,583,347, T>A. VCF-style: chr6-7583347-T-A. GRCh37 (hg19) VCF-style: chr6-7583580-T-A.
Other names: c.4288T>A, p.Tyr1430Asn (NM_001008844.3); c.4756T>A, p.Tyr1586Asn (NM_001319034.2); short protein forms Y1430N, Y1586N, Y2029N.
Identifiers: ClinVar variation 3069319 (VCV003069319.1), dbSNP rs765794044, ClinGen allele CA046842.